The following is an entry in ClinVar:

NM_001267550.2(TTN):c.55805C>A (p.Pro18602His)

Genes: TTN-AS1 (TTN antisense RNA 1; plus strand), TTN (titin; minus strand). Cytogenetic location: 2q31.2.
Variant type: single nucleotide variant.
Coding change: c.55805C>A on transcript NM_001267550.2 (MANE Select); coding-DNA position 55805, C replaced by A.
Protein change: p.Pro18602His; replaces proline 18602 with histidine.
Molecular consequence: missense variant.
Genome position (GRCh38, 1-based): chr2:178,601,099, G>T on the plus strand (C>A on the coding strand, the complement: TTN is on the minus strand). VCF-style: chr2-178601099-G-T. GRCh37 (hg19) VCF-style: chr2-179465826-G-T.
Other names: c.48101C>A, p.Pro16034His (NM_133378.4); c.50882C>A, p.Pro16961His (NM_001256850.1); c.28610C>A, p.Pro9537His (NM_003319.4); c.28985C>A, p.Pro9662His (NM_133432.3); c.29186C>A, p.Pro9729His (NM_133437.4); short protein forms P16034H, P18602H, P9662H, P9729H, P16961H, P9537H.
Identifiers: ClinVar variation 229465 (VCV000229465.5), dbSNP rs559554374, ClinGen allele CA1993381.

ClinVar aggregate classification (germline): Uncertain significance (1 of 4 stars; one submission).

Allele frequency attached by ClinVar (database versions not stated): gnomAD exomes below 0.00001 and 0.00001; ExAC 0.00001; gnomAD 0.00001; 1000 Genomes Project 30x 0.00016; 1000 Genomes Project 0.00020.
gnomAD v4.1: 2 of 1,601,910 alleles (0.00012%); highest among the groups gnomAD compares: East Asian, 0.0045%; no homozygotes.

Submission:

Laboratory for Molecular Medicine, Mass General Brigham Personalized Medicine
Classification: Uncertain significance. Last evaluated: 2015-04-04. Review status: criteria provided, single submitter. Criteria: LMM Criteria. Collection method: clinical testing. Allele origin: germline. Observed: 1 variant allele.
Comment: The p.Pro16034His variant in TTN has not been previously reported in individuals with cardiomyopathy, but has been identified in 1/8334 East Asian chromosomes b y the Exome Aggregation Consortium (ExAC). Compu tational prediction tools and conservation analysis suggest that this variant ma y impact the protein, though this information is not predictive enough to determ ine pathogenicity. In summary, the clinical significance of the p.Pro16034His va riant is uncertain.